The following is an entry in ClinVar:

ClinVar aggregate classification (germline): Pathogenic (1 of 4 stars; one submission).

Submission:

Labcorp Genetics (formerly Invitae), Labcorp
Classification: Pathogenic. Last evaluated: 2019-08-27. Review status: criteria provided, single submitter. Criteria: Invitae Variant Classification Sherloc (09022015). Collection method: clinical testing. Allele origin: germline.
Comment: This sequence change creates a premature translational stop signal (p.Gln4626*) in the USH2A gene. It is expected to result in an absent or disrupted protein product. This variant is not present in population databases (ExAC no frequency). This variant has not been reported in the literature in individuals with USH2A-related conditions. Loss-of-function variants in USH2A are known to be pathogenic (PMID: 10729113, 10909849, 20507924, 25649381). For these reasons, this variant has been classified as Pathogenic.

Literature cited by the submitters: PubMed 10729113; PubMed 10909849; PubMed 20507924; PubMed 25649381.

NM_206933.4(USH2A):c.13876C>T (p.Gln4626Ter)

Gene: USH2A (usherin; minus strand). Cytogenetic location: 1q41.
Variant type: single nucleotide variant.
Coding change: c.13876C>T on transcript NM_206933.4 (MANE Select); coding-DNA position 13876, C replaced by T.
Protein change: p.Gln4626Ter; replaces glutamine 4626 with a stop codon.
Molecular consequence: nonsense.
Genome position (GRCh38, 1-based): chr1:215,671,229, G>A on the plus strand (C>T on the coding strand, the complement: USH2A is on the minus strand). VCF-style: chr1-215671229-G-A. GRCh37 (hg19) VCF-style: chr1-215844571-G-A.
Other names: short protein forms Q4626*.
Identifiers: ClinVar variation 936319 (VCV000936319.7), dbSNP rs1657805631, ClinGen allele CA344841636.